The following is an entry in ClinVar:

NM_005857.5(ZMPSTE24):c.1416G>T (p.Met472Ile)

Gene: ZMPSTE24 (zinc metallopeptidase STE24; plus strand). Cytogenetic location: 1p34.2.
Variant type: single nucleotide variant.
Coding change: c.1416G>T on transcript NM_005857.5 (MANE Select); coding-DNA position 1416, G replaced by T.
Protein change: p.Met472Ile; replaces methionine 472 with isoleucine.
Molecular consequence: missense variant.
Genome position (GRCh38, 1-based): chr1:40,292,657, G>T. VCF-style: chr1-40292657-G-T. GRCh37 (hg19) VCF-style: chr1-40758329-G-T.
Other names: short protein forms M472I.
Identifiers: ClinVar variation 1386345 (VCV001386345.4), dbSNP rs763989458, ClinGen allele CA791225.
Genomic context (GRCh38, chr1:40,292,657, plus strand): 5'-CTCAATGTGGCATTATTCTCATCCTCCACTGCTAGAGAGACTTCAAGCTTTGAAAACTAT[G>T]AAGCAACACTGAGATGTCCAGGATCTGTGACTGAAGACATTTCTGATTATTTCTGTCCTG-3'
Protein context (NP_005848.2, residues 462-475): LLERLQALKT[Met472Ile]KQH

ClinVar aggregate classification (germline): Uncertain significance. Review status: criteria provided, multiple submitters, no conflicts (2 of 4 stars). 2 submissions from 2 submitters: Uncertain significance (2). Last evaluated 2022-05-27.

Conditions:
Lethal tight skin contracture syndrome. Also called: HYPERKERATOSIS-CONTRACTURE SYNDROME; RESTRICTIVE DERMOPATHY, LETHAL; FETAL HYPOKINESIA SEQUENCE DUE TO RESTRICTIVE DERMOPATHY; Restrictive dermopathy. Identifiers: Orphanet 1662, MedGen C0406585, MONDO:0031213.
Mandibuloacral dysplasia with type B lipodystrophy (MADB). Also called: LIPODYSTROPHY, TYPE B, ASSOCIATED WITH MANDIBULOACRAL DYSPLASIA. Identifiers: Orphanet 2457, Orphanet 90154, MedGen C1837756, MONDO:0012074, OMIM 608612.

Allele frequency attached by ClinVar (database versions not stated): ExAC 0.00001; gnomAD 0.00001; gnomAD exomes 0.00001; TOPMed 0.00002.
gnomAD v4.1: 12 of 1,613,602 alleles (0.00074%); highest among the groups gnomAD compares: African/African-American, 0.0013%; no homozygotes.

Submissions (2):

Labcorp Genetics (formerly Invitae), Labcorp
Classification: Uncertain significance. Last evaluated: 2022-05-27. Review status: criteria provided, single submitter. Criteria: Invitae Variant Classification Sherloc (09022015). Collection method: clinical testing. Allele origin: germline.
Comment: This sequence change replaces methionine with isoleucine at codon 472 of the ZMPSTE24 protein (p.Met472Ile). There is a small physicochemical difference between methionine and isoleucine. This variant is present in population databases (rs763989458, gnomAD 0.003%). This variant has not been reported in the literature in individuals affected with ZMPSTE24-related conditions. Algorithms developed to predict the effect of missense changes on protein structure and function are either unavailable or do not agree on the potential impact of this missense change (SIFT: "Not Available"; PolyPhen-2: "Benign"; Align-GVGD: "Not Available"). In summary, the available evidence is currently insufficient to determine the role of this variant in disease. Therefore, it has been classified as a Variant of Uncertain Significance.

Fulgent Genetics
Classification: Uncertain significance for Restrictive dermopathy 1; Mandibuloacral dysplasia with type B lipodystrophy. Last evaluated: 2021-09-10. Review status: criteria provided, single submitter. Criteria: ACMG Guidelines, 2015. Collection method: clinical testing. Allele origin: unknown.